The following is an entry in ClinVar:

ClinVar aggregate classification (germline): Uncertain significance. Review status: criteria provided, multiple submitters, no conflicts (2 of 4 stars). 2 submissions from 2 submitters: Uncertain significance (2). Last evaluated 2026-01-15.

Conditions:
Primary dilated cardiomyopathy (DCM). Also called: Dilated Cardiomyopathy. Identifiers: Orphanet 217604, MedGen C0007193, MeSH D002311, MONDO:0005021, HP:0001644. Inheritance: Various modes of inheritance.

Submissions (2):

Victorian Clinical Genetics Services, Murdoch Childrens Research Institute
Classification: Uncertain significance for Primary dilated cardiomyopathy. Last evaluated: 2026-01-15. Review status: criteria provided, single submitter. Criteria: ACMG Guidelines, 2015. Collection method: clinical testing. Allele origin: germline. Affected: yes.
Comment: This variant is classified as VUS-3B. Evidence in support of pathogenic classification: Variant is absent from gnomAD (v2, v3 and v4). Additional information: Variant is predicted to result in a missense amino acid change from Asp to Glu; This variant is heterozygous; This gene is associated with both recessive and dominant disease. Variants in this gene are usually inherited in a dominant manner; however, there are rare reports of recessive inheritance resulting in a more severe cardiac phenotype (OMIM); Alternative amino acid change(s) at the same position are present in gnomAD (highest allele count: v4: 1 heterozygote(s), 0 homozygote(s)); This variant has no previous evidence of pathogenicity. However, it was reported as VUS for this family in the literature (PMID: 36252119); Segregation evidence for this variant is inconclusive. The unaffected father is also heterozygous for this variant (PMID: 36252119); No published functional evidence has been identified for this variant; Other missense variant(s) comparable to the one identified in this case have conflicting previous evidence for pathogenicity. p.(Asp2436Val) has been classified as likely benign by one clinical laboratory in ClinVar. p.(Asp2436Ala) has been reported in the literature as VUS in an individual with HCM (PMID: 33954932); Variant is not located in an established domain, motif, hotspot or informative constraint region; Missense variant with inconclusive in silico prediction and/or uninformative conservation; Loss of function is a known mechanism of disease in this gene and is associated with arrhythmogenic right ventricular dysplasia 8 (MIM#607450) and other DSP-related cardiac disorders; The condition associated with this gene has incomplete penetrance. In families with cardiomyopathies, reduced penetrance has been reported among family members aged 60-86 years (PMID: 36580316); Variants in this gene are known to have variable expressivity. Age-dependent penetrance and variable expressivity are well-described aspects of arrhythmogenic cardiomyopathy (PMID: 29062697); This variant has been shown to be paternally inherited (PMID: 36252119).

Agnes Ginges Centre for Molecular Cardiology, Centenary Institute
Classification: Uncertain significance for Primary dilated cardiomyopathy. Last evaluated: 2017-04-06. Review status: criteria provided, single submitter. Criteria: ACMG Guidelines, 2015. Collection method: research. Allele origin: germline. Affected: yes.
Comment: The DSP Asp2436Glu variant has not been reported previously, and is absent from the 1000 genomes project, as well as the large Exome Aggregation Consortium dataset. Computational tools SIFT, PolyPhen2 and MutationTaster predict this variant to be deleterious. There is not enough evidence to fully support either a benign or pathogenic role, therefore we classify DSP Asp2436Glu as a variant of "uncertain significance".

Literature cited by the submitters: PubMed 36252119 (cited by Victorian Clinical Genetics Services, Murdoch Childrens Research Institute); PubMed 36580316 (cited by Victorian Clinical Genetics Services, Murdoch Childrens Research Institute); PubMed 33954932 (cited by Victorian Clinical Genetics Services, Murdoch Childrens Research Institute); PubMed 29062697 (cited by Victorian Clinical Genetics Services, Murdoch Childrens Research Institute).

NM_004415.4(DSP):c.7308T>A (p.Asp2436Glu)

Gene: DSP (desmoplakin; plus strand). Cytogenetic location: 6p24.3.
Variant type: single nucleotide variant.
Coding change: c.7308T>A on transcript NM_004415.4 (MANE Select); coding-DNA position 7308, T replaced by A.
Protein change: p.Asp2436Glu; replaces aspartic acid 2436 with glutamic acid.
Molecular consequence: missense variant.
Genome position (GRCh38, 1-based): chr6:7,584,570, T>A. VCF-style: chr6-7584570-T-A. GRCh37 (hg19) VCF-style: chr6-7584803-T-A.
Other names: c.5511T>A, p.Asp1837Glu (NM_001008844.3); c.5979T>A, p.Asp1993Glu (NM_001319034.2); short protein forms D1837E, D1993E, D2436E.
Identifiers: ClinVar variation 692125 (VCV000692125.4), dbSNP rs1581823824, ClinGen allele CA362692714.
Genomic context (GRCh38, chr6:7,584,570, plus strand): 5'-TGACCCCAACACTGAAGAAAATCTTACCTATCTGCAACTAAAAGAAAGATGCATTAAGGA[T>A]GAGGAAACAGGGCTCTGTCTTCTGCCTCTGAAAGAAAAGAAGAAACAGGTGCAGACATCA-3'
Protein context (NP_004406.2, residues 2426-2446): YLQLKERCIK[Asp2436Glu]EETGLCLLPL